The following is an entry in ClinVar:

ClinVar aggregate classification (germline): Uncertain significance. Review status: criteria provided, multiple submitters, no conflicts (2 of 4 stars). 3 submissions from 3 submitters: Uncertain significance (3). Last evaluated 2025-10-18.

Conditions:
Hypertrophic cardiomyopathy 14. Identifiers: MedGen C2750467, MONDO:0013197, OMIM 613251.
MYH6-related disorder. Also called: MYH6-related condition; MYH6-Related Disorders.
Cardiovascular phenotype. Identifiers: MedGen CN230736.

Submissions (3):

PreventionGenetics, part of Exact Sciences
Classification: Uncertain significance for MYH6-related condition. Last evaluated: 2025-10-18. Review status: criteria provided, single submitter. Criteria: ACMG Guidelines, 2015. Collection method: clinical testing. Allele origin: germline.
Comment: The MYH6 c.4821_4822delAC variant is predicted to result in a frameshift and premature protein termination (p.Arg1608Glnfs*18). This variant was reported in an individual with cardiomyopathy (Supplementary Data, Forrest et al. 2024. PubMed ID: 38642551). This variant is reported in 0.024% of alleles in individuals of African descent in gnomAD. Loss of function has not been conclusively established as a mechanism for MYH6-related disorders. At this time, the clinical significance of this variant is uncertain due to the absence of conclusive functional and genetic evidence.

Labcorp Genetics (formerly Invitae), Labcorp
Classification: Uncertain significance for Hypertrophic cardiomyopathy 14. Last evaluated: 2025-06-11. Review status: criteria provided, single submitter. Criteria: Invitae Variant Classification Sherloc (09022015). Collection method: clinical testing. Allele origin: germline.
Comment: This sequence change creates a premature translational stop signal (p.Arg1608Glnfs*18) in the MYH6 gene. It is expected to result in an absent or disrupted protein product. However, the current clinical and genetic evidence is not sufficient to establish whether loss-of-function variants in MYH6 cause disease. This variant is present in population databases (rs764543612, gnomAD 0.02%). This variant has not been reported in the literature in individuals affected with MYH6-related conditions. In summary, the available evidence is currently insufficient to determine the role of this variant in disease. Therefore, it has been classified as a Variant of Uncertain Significance.

Ambry Genetics
Classification: Uncertain significance for Cardiovascular phenotype. Last evaluated: 2021-02-09. Review status: criteria provided, single submitter. Criteria: Ambry Variant Classification Scheme 2023. Collection method: clinical testing. Allele origin: germline.
Comment: The c.4821_4822delAC variant, located in coding exon 31 of the MYH6 gene, results from a deletion of two nucleotides at nucleotide positions 4821 to 4822, causing a translational frameshift with a predicted alternate stop codon (p.R1608Qfs*18). This alteration is expected to result in loss of function by premature protein truncation or nonsense-mediated mRNA decay. However, loss of function of MYH6 has not been clearly established as a mechanism of disease. Since supporting evidence is limited at this time, the clinical significance of this alteration remains unclear.

NM_002471.4(MYH6):c.4821_4822del (p.Arg1608fs)

Genes: MYH6 (myosin heavy chain 6; minus strand), LOC126861896 (BRD4-independent group 4 enhancer GRCh37_chr14:23854904-23856103; plus strand). Cytogenetic location: 14q11.2.
Variant type: Microsatellite.
Coding change: c.4821_4822del on transcript NM_002471.4 (MANE Select); coding-DNA positions 4821 to 4822, 2 bases deleted (AC; older notation c.4821_4822delAC).
Protein change: p.Arg1608fs; shifts the reading frame from arginine 1608.
Molecular consequence: frameshift variant.
Genome position (GRCh38, 1-based): chr14:23,386,452-23,386,453, GT deleted on the plus strand (AC on the coding strand, the reverse complement: MYH6 is on the minus strand); deleting any 2 consecutive bases within chr14:23,386,452-23,386,455 gives the same sequence; the c. name uses the placement nearest the transcript's 3' end. VCF-style (leftmost placement, unchanged base first): chr14-23386451-CGT-C. GRCh37 (hg19) VCF-style: chr14-23855660-CGT-C.
Other names: c.4821_4822delAC (NM_002471.3); short protein forms R1608fs.
Identifiers: ClinVar variation 518991 (VCV000518991.9), dbSNP rs764543612, ClinGen allele CA7114631.